The following is an entry in ClinVar:

ClinVar aggregate classification (germline): Uncertain significance. Review status: criteria provided, multiple submitters, no conflicts (2 of 4 stars). 2 submissions from 2 submitters: Uncertain significance (2). Last evaluated 2024-06-05.

Allele frequency attached by ClinVar (database versions not stated): TOPMed below 0.00001; ExAC 0.00002; gnomAD 0.00002; 1000 Genomes Project 0.00040; 1000 Genomes Project 30x 0.00047.
gnomAD v4.1: 10 of 1,614,126 alleles (0.00062%); highest among the groups gnomAD compares: East Asian, 0.022%; no homozygotes.

Submissions (2):

Ambry Genetics
Classification: Uncertain significance. Last evaluated: 2024-06-05. Review status: criteria provided, single submitter. Criteria: Ambry Variant Classification Scheme 2023. Collection method: clinical testing. Allele origin: germline.

Labcorp Genetics (formerly Invitae), Labcorp
Classification: Uncertain significance. Last evaluated: 2022-12-22. Review status: criteria provided, single submitter. Criteria: Invitae Variant Classification Sherloc (09022015). Collection method: clinical testing. Allele origin: germline.
Comment: This sequence change replaces aspartic acid, which is acidic and polar, with asparagine, which is neutral and polar, at codon 3749 of the HMCN1 protein (p.Asp3749Asn). This variant is present in population databases (rs138705216, gnomAD 0.03%). This variant has not been reported in the literature in individuals affected with HMCN1-related conditions. Algorithms developed to predict the effect of missense changes on protein structure and function are either unavailable or do not agree on the potential impact of this missense change (SIFT: "Tolerated"; PolyPhen-2: "Probably Damaging"; Align-GVGD: "Class C0"). In summary, the available evidence is currently insufficient to determine the role of this variant in disease. Therefore, it has been classified as a Variant of Uncertain Significance.

NM_031935.3(HMCN1):c.11245G>A (p.Asp3749Asn)

Gene: HMCN1 (hemicentin 1; plus strand). Cytogenetic location: 1q31.1.
Variant type: single nucleotide variant.
Coding change: c.11245G>A on transcript NM_031935.3 (MANE Select); coding-DNA position 11245, G replaced by A.
Protein change: p.Asp3749Asn; replaces aspartic acid 3749 with asparagine.
Molecular consequence: missense variant.
Genome position (GRCh38, 1-based): chr1:186,114,092, G>A. VCF-style: chr1-186114092-G-A. GRCh37 (hg19) VCF-style: chr1-186083224-G-A.
Other names: c.11245G>A (NM_031935.2); short protein forms D3749N.
Identifiers: ClinVar variation 1910505 (VCV001910505.6), dbSNP rs138705216, ClinGen allele CA1293974.